The following is an entry in ClinVar:

NM_020921.4(NIN):c.5473C>T (p.His1825Tyr)

Gene: NIN (ninein; minus strand). Cytogenetic location: 14q22.1.
Variant type: single nucleotide variant.
Coding change: c.5473C>T on transcript NM_020921.4 (MANE Select); coding-DNA position 5473, C replaced by T.
Protein change: p.His1825Tyr; replaces histidine 1825 with tyrosine.
Molecular consequence: missense variant.
Genome position (GRCh38, 1-based): chr14:50,739,463, G>A on the plus strand (C>T on the coding strand, the complement: NIN is on the minus strand). VCF-style: chr14-50739463-G-A. GRCh37 (hg19) VCF-style: chr14-51206181-G-A.
Other names: c.3334C>T, p.His1112Tyr (NM_016350.5); c.5473C>T, p.His1825Tyr (NM_182944.3, NM_182946.2); c.5473C>T (NM_020921.3); short protein forms H1112Y, H1825Y.
Identifiers: ClinVar variation 2069883 (VCV002069883.5), dbSNP rs371242462, ClinGen allele CA7181255.

ClinVar aggregate classification (germline): Uncertain significance. Review status: criteria provided, multiple submitters, no conflicts (2 of 4 stars). 2 submissions from 2 submitters: Uncertain significance (2). Last evaluated 2025-09-09.

Allele frequency attached by ClinVar (database versions not stated): ExAC 0.00001; gnomAD exomes 0.00001; TOPMed 0.00002; gnomAD 0.00004; ESP Exome Variant Server 0.00008.
gnomAD v4.1: 24 of 1,614,042 alleles (0.0015%); highest among the groups gnomAD compares: Middle Eastern, 0.016%; no homozygotes.

Submissions (2):

Labcorp Genetics (formerly Invitae), Labcorp
Classification: Uncertain significance. Last evaluated: 2025-09-09. Review status: criteria provided, single submitter. Criteria: Invitae Variant Classification Sherloc (09022015). Collection method: clinical testing. Allele origin: germline.
Comment: This sequence change replaces histidine, which is basic and polar, with tyrosine, which is neutral and polar, at codon 1825 of the NIN protein (p.His1825Tyr). This variant is present in population databases (rs371242462, gnomAD 0.008%). This variant has not been reported in the literature in individuals affected with NIN-related conditions. ClinVar contains an entry for this variant (Variation ID: 2069883). An algorithm developed to predict the effect of missense changes on protein structure and function outputs the following: PolyPhen-2: "Benign". The tyrosine amino acid residue is found in multiple mammalian species, which suggests that this missense change does not adversely affect protein function. Algorithms developed to predict the effect of sequence changes on RNA splicing suggest that this variant may disrupt the consensus splice site. In summary, the available evidence is currently insufficient to determine the role of this variant in disease. Therefore, it has been classified as a Variant of Uncertain Significance.

Ambry Genetics
Classification: Uncertain significance. Last evaluated: 2024-05-15. Review status: criteria provided, single submitter. Criteria: Ambry Variant Classification Scheme 2023. Collection method: clinical testing. Allele origin: germline.